The following is an entry in ClinVar:

ClinVar aggregate classification (germline): Likely pathogenic (1 of 4 stars; one submission).

Conditions:
Hereditary cancer-predisposing syndrome. Also called: Neoplastic Syndromes, Hereditary; Tumor predisposition; Hereditary Cancer Syndrome; Hereditary neoplastic syndrome. Identifiers: Orphanet 140162, MedGen C0027672, MeSH D009386, MONDO:0015356.

Submission:

Color Diagnostics, LLC DBA Color Health
Classification: Likely pathogenic for Hereditary cancer-predisposing syndrome. Last evaluated: 2022-01-01. Review status: criteria provided, single submitter. Criteria: ACMG Guidelines, 2015. Collection method: clinical testing. Allele origin: germline.
Comment: This variant deletes 4 nucleotides in exon 16 of the APC gene, creating a frameshift and premature translation stop signal. This variant is expected to result in an absent or non-functional protein product. To our knowledge, this variant has not been reported in individuals affected with hereditary cancer in the literature. This variant has not been identified in the general population by the Genome Aggregation Database (gnomAD). Loss of APC function is a known mechanism of disease. Based on the available evidence, this variant is classified as Likely Pathogenic.

NM_000038.6(APC):c.5818_5821del (p.Ile1940fs)

Gene: APC (APC regulator of Wnt signaling pathway; plus strand). Cytogenetic location: 5q22.2.
Variant type: Deletion.
Coding change: c.5818_5821del on transcript NM_000038.6 (MANE Select); coding-DNA positions 5818 to 5821, 4 bases deleted (ATAC; older notation c.5818_5821delATAC).
Protein change: p.Ile1940fs; shifts the reading frame from isoleucine 1940.
Molecular consequence: frameshift variant. On other transcripts: non-coding transcript variant (2).
Genome position (GRCh38, 1-based): chr5:112,841,412-112,841,415, ATAC deleted; deleting any 4 consecutive bases within chr5:112,841,410-112,841,415 gives the same sequence; the c. name uses the placement nearest the transcript's 3' end. VCF-style (leftmost placement, unchanged base first): chr5-112841409-GACAT-G. GRCh37 (hg19) VCF-style: chr5-112177106-GACAT-G.
Other names: c.5818_5821del, p.Ile1940fs (NM_001127510.3, NM_001354895.2, NM_001407450.1); c.5764_5767del, p.Ile1922fs (NM_001127511.3); c.5872_5875del, p.Ile1958fs (NM_001354896.2, NM_001407447.1, NM_001407448.1 and 1 more transcripts); c.5848_5851del, p.Ile1950fs (NM_001354897.2); c.5743_5746del, p.Ile1915fs (NM_001354898.2); c.5734_5737del, p.Ile1912fs (NM_001354899.2); c.5695_5698del, p.Ile1899fs (NM_001354900.2); c.5641_5644del, p.Ile1881fs (NM_001354901.2, NM_001407453.1); and 11 more; short protein forms I1839fs, I1849fs, I1899fs, I1780fs, I1881fs, I1930fs, I1933fs, I1940fs.
Identifiers: ClinVar variation 2775379 (VCV002775379.2), dbSNP rs2533669586, ClinGen allele CA2697546371.
Genomic context (GRCh38, chr5:112,841,409, plus strand): 5'-AATCGAGGTCAGCCTAAACCCATACTTCAGAAACAATCCACTTTTCCCCAGTCATCCAAA[GACAT>G]ACCAGACAGAGGGGCAGCAACTGATGAAAAGTTACAGAATTTTGCTATTGAAAATACTCC-3'